The following is an entry in ClinVar:

ClinVar aggregate classification (germline): Pathogenic (1 of 4 stars; one submission).

Submission:

Labcorp Genetics (formerly Invitae), Labcorp
Classification: Pathogenic. Last evaluated: 2022-10-31. Review status: criteria provided, single submitter. Criteria: Invitae Variant Classification Sherloc (09022015). Collection method: clinical testing. Allele origin: germline.
Comment: This sequence change creates a premature translational stop signal (p.Arg16Glyfs*78) in the SLC18A2 gene. It is expected to result in an absent or disrupted protein product. Loss-of-function variants in SLC18A2 are known to be pathogenic (PMID: 26539891, 31618753). This variant is not present in population databases (gnomAD no frequency). This variant has not been reported in the literature in individuals affected with SLC18A2-related conditions. For these reasons, this variant has been classified as Pathogenic.

Literature cited by the submitters: PubMed 26539891; PubMed 31618753.

NM_003054.6(SLC18A2):c.46_55del (p.Arg16fs)

Genes: SLC18A2 (solute carrier family 18 member A2; plus strand), SLC18A2-AS1 (SLC18A2 antisense RNA 1; minus strand). Cytogenetic location: 10q25.3.
Variant type: Deletion.
Coding change: c.46_55del on transcript NM_003054.6 (MANE Select); coding-DNA positions 46 to 55, 10 bases deleted (CGCCGCTCGC; older notation c.46_55delCGCCGCTCGC).
Protein change: p.Arg16fs; shifts the reading frame from arginine 16.
Molecular consequence: frameshift variant. On other transcripts: non-coding transcript variant (1).
Genome position (GRCh38, 1-based): chr10:117,241,739-117,241,748, CGCCGCTCGC deleted; deleting any 10 consecutive bases within chr10:117,241,737-117,241,748 gives the same sequence; the c. name uses the placement nearest the transcript's 3' end. VCF-style (leftmost placement, unchanged base first): chr10-117241736-AGCCGCCGCTC-A. GRCh37 (hg19) VCF-style: chr10-119001247-AGCCGCCGCTC-A.
Other names: short protein forms R16fs.
Identifiers: ClinVar variation 2793810 (VCV002793810.3), dbSNP rs2493527151, ClinGen allele CA2739276022.